The following is an entry in ClinVar:

ClinVar aggregate classification (germline): Uncertain significance (1 of 4 stars; one submission).

Allele frequency attached by ClinVar (database versions not stated): gnomAD exomes below 0.00001.
gnomAD v4.1: 1 of 1,613,510 alleles (0.000062%); highest among the groups gnomAD compares: East Asian, 0.0022%; no homozygotes.

Submission:

Ambry Genetics
Classification: Uncertain significance. Last evaluated: 2022-07-11. Review status: criteria provided, single submitter. Criteria: Ambry Variant Classification Scheme 2023. Collection method: clinical testing. Allele origin: germline.
Comment: The p.D747N variant (also known as c.2239G>A), located in coding exon 13 of the NPAT gene, results from a G to A substitution at nucleotide position 2239. The aspartic acid at codon 747 is replaced by asparagine, an amino acid with highly similar properties. This amino acid position is conserved. In addition, this alteration is predicted to be tolerated by in silico analysis. Since supporting evidence is limited at this time, the clinical significance of this alteration remains unclear.

NM_002519.3(NPAT):c.2239G>A (p.Asp747Asn)

Gene: NPAT (nuclear protein, coactivator of histone transcription; minus strand). Cytogenetic location: 11q22.3.
Variant type: single nucleotide variant.
Coding change: c.2239G>A on transcript NM_002519.3 (MANE Select); coding-DNA position 2239, G replaced by A.
Protein change: p.Asp747Asn; replaces aspartic acid 747 with asparagine.
Molecular consequence: missense variant.
Genome position (GRCh38, 1-based): chr11:108,172,745, C>T on the plus strand (G>A on the coding strand, the complement: NPAT is on the minus strand). VCF-style: chr11-108172745-C-T. GRCh37 (hg19) VCF-style: chr11-108043472-C-T.
Other names: c.2239G>A, p.Asp747Asn (NM_001321307.1); short protein forms D747N.
Identifiers: ClinVar variation 1788231 (VCV001788231.2), dbSNP rs2496718075, ClinGen allele CA382513395.